The following is an entry in ClinVar:

ClinVar aggregate classification (germline): Uncertain significance (1 of 4 stars; one submission).

Allele frequency attached by ClinVar (database versions not stated): gnomAD 0.00001.
gnomAD v4.1: 1 of 1,613,388 alleles (0.000062%); no homozygotes.

Submission:

Labcorp Genetics (formerly Invitae), Labcorp
Classification: Uncertain significance. Last evaluated: 2025-01-06. Review status: criteria provided, single submitter. Criteria: Invitae Variant Classification Sherloc (09022015). Collection method: clinical testing. Allele origin: germline.
Comment: This sequence change replaces proline, which is neutral and non-polar, with serine, which is neutral and polar, at codon 1464 of the COL11A1 protein (p.Pro1464Ser). This variant is not present in population databases (gnomAD no frequency). This variant has not been reported in the literature in individuals affected with COL11A1-related conditions. ClinVar contains an entry for this variant (Variation ID: 1386061). Invitae Evidence Modeling of protein sequence and biophysical properties (such as structural, functional, and spatial information, amino acid conservation, physicochemical variation, residue mobility, and thermodynamic stability) indicates that this missense variant is not expected to disrupt COL11A1 protein function with a negative predictive value of 80%. In summary, the available evidence is currently insufficient to determine the role of this variant in disease. Therefore, it has been classified as a Variant of Uncertain Significance.

NM_001854.4(COL11A1):c.4390C>T (p.Pro1464Ser)

Gene: COL11A1 (collagen type XI alpha 1 chain; minus strand). Cytogenetic location: 1p21.1.
Variant type: single nucleotide variant.
Coding change: c.4390C>T on transcript NM_001854.4 (MANE Select); coding-DNA position 4390, C replaced by T.
Protein change: p.Pro1464Ser; replaces proline 1464 with serine.
Molecular consequence: missense variant. On other transcripts: non-coding transcript variant (1).
Genome position (GRCh38, 1-based): chr1:102,889,529, G>A on the plus strand (C>T on the coding strand, the complement: COL11A1 is on the minus strand). VCF-style: chr1-102889529-G-A. GRCh37 (hg19) VCF-style: chr1-103355085-G-A.
Other names: c.4273C>T, p.Pro1425Ser (NM_001190709.2); c.4426C>T, p.Pro1476Ser (NM_080629.3); c.4042C>T, p.Pro1348Ser (NM_080630.4); short protein forms P1425S, P1348S, P1464S, P1476S.
Identifiers: ClinVar variation 1386061 (VCV001386061.6), dbSNP rs1651475810, ClinGen allele CA341212730.
Genomic context (GRCh38, chr1:102,889,529, plus strand): 5'-CTCCTGGAGATCCTTGAGTTCCAGGGAGCCCTCGGTCACCTTTTTCCCCTTGTTCTCCTG[G>A]AGGACCAATCAGGCCAATTAAACCAGGATGTCCCTTTGAAAGGCAGAGAAAAAAAATAAT-3'
Protein context (NP_001845.3, residues 1454-1474): HPGLIGLIGP[Pro1464Ser]GEQGEKGDRG